The following is an entry in ClinVar:

ClinVar aggregate classification (germline): Likely benign. Review status: criteria provided, multiple submitters, no conflicts (2 of 4 stars). 2 submissions from 2 submitters: Likely benign (2). Last evaluated 2024-11-25.

Allele frequency attached by ClinVar (database versions not stated): ESP Exome Variant Server 0.00023; gnomAD 0.00023; gnomAD exomes 0.00023; ExAC 0.00024; TOPMed 0.00024; 1000 Genomes Project 0.00040; 1000 Genomes Project 30x 0.00047.
gnomAD v4.1: 371 of 1,614,114 alleles (0.023%); highest among the groups gnomAD compares: Middle Eastern, 0.12%; no homozygotes.

Submissions (2):

Blueprint Genetics
Classification: Likely benign. Last evaluated: 2024-11-25. Review status: criteria provided, single submitter. Criteria: ACMG Guidelines, 2015. Collection method: clinical testing. Allele origin: germline.

CeGaT Center for Human Genetics Tuebingen
Classification: Likely benign. Last evaluated: 2022-07-01. Review status: criteria provided, single submitter. Criteria: CeGaT Center For Human Genetics Tuebingen Variant Classification Criteria Version 2. Collection method: clinical testing. Allele origin: germline. Affected: yes. Observed: 1 variant allele.
Comment: ASPRV1: BP4, BP7

NM_152792.4(ASPRV1):c.480G>A (p.Lys160=)

Gene: ASPRV1 (aspartic peptidase retroviral like 1; minus strand). Cytogenetic location: 2p13.3.
Variant type: single nucleotide variant.
Coding change: c.480G>A on transcript NM_152792.4 (MANE Select); coding-DNA position 480, G replaced by A.
Protein change: p.Lys160=; no amino-acid change (lysine 160 retained).
Molecular consequence: synonymous variant. On other transcripts: non-coding transcript variant (8).
Genome position (GRCh38, 1-based): chr2:69,960,957, C>T on the plus strand (G>A on the coding strand, the complement: ASPRV1 is on the minus strand). VCF-style: chr2-69960957-C-T. GRCh37 (hg19) VCF-style: chr2-70188089-C-T.
Other names: c.732G>A, p.Lys244= (NM_001386980.1, NM_001386981.1, NM_001386982.1 and 5 more transcripts).
Identifiers: ClinVar variation 2651012 (VCV002651012.25), dbSNP rs138437547, ClinGen allele CA1696575.